The following is an entry in ClinVar:

ClinVar aggregate classification (germline): Uncertain significance (1 of 4 stars; one submission).

Conditions:
Nemaline myopathy 2 (NEM2). Also called: Nemaline myopathy 2, autosomal recessive. Identifiers: MedGen C1850569, MONDO:0009725, OMIM 256030.

Submission:

Labcorp Genetics (formerly Invitae), Labcorp
Classification: Uncertain significance for Nemaline myopathy 2. Last evaluated: 2022-03-19. Review status: criteria provided, single submitter. Criteria: Invitae Variant Classification Sherloc (09022015). Collection method: clinical testing. Allele origin: germline.
Comment: This sequence change replaces methionine, which is neutral and non-polar, with isoleucine, which is neutral and non-polar, at codon 608 of the NEB protein (p.Met608Ile). This variant is not present in population databases (gnomAD no frequency). This variant has not been reported in the literature in individuals affected with NEB-related conditions. Algorithms developed to predict the effect of missense changes on protein structure and function are either unavailable or do not agree on the potential impact of this missense change (SIFT: "Deleterious"; PolyPhen-2: "Not Available"; Align-GVGD: "Class C0"). In summary, the available evidence is currently insufficient to determine the role of this variant in disease. Therefore, it has been classified as a Variant of Uncertain Significance.

NM_001164508.2(NEB):c.1824G>A (p.Met608Ile)

Gene: NEB (nebulin; minus strand). Cytogenetic location: 2q23.3.
Variant type: single nucleotide variant.
Coding change: c.1824G>A on transcript NM_001164508.2 (MANE Select); coding-DNA position 1824, G replaced by A.
Protein change: p.Met608Ile; replaces methionine 608 with isoleucine.
Molecular consequence: missense variant.
Genome position (GRCh38, 1-based): chr2:151,694,395, C>T on the plus strand (G>A on the coding strand, the complement: NEB is on the minus strand). VCF-style: chr2-151694395-C-T. GRCh37 (hg19) VCF-style: chr2-152550909-C-T.
Other names: c.1824G>A, p.Met608Ile (NM_001164507.2, NM_001271208.2, NM_004543.5); short protein forms M608I.
Identifiers: ClinVar variation 2109231 (VCV002109231.4), dbSNP rs756102340, ClinGen allele CA348824441.